The following is an entry in ClinVar:

ClinVar aggregate classification (germline): Uncertain significance (1 of 4 stars; one submission).

Conditions:
Dyskeratosis congenita, autosomal recessive 6 (DKCB6). Identifiers: MedGen C4225356, MONDO:0014600, OMIM 616353.
Pulmonary fibrosis and/or bone marrow failure, Telomere-related, 4. Also called: PULMONARY FIBROSIS AND/OR BONE MARROW FAILURE SYNDROME, TELOMERE-RELATED, 4. Identifiers: Orphanet 2032, MedGen C4225347, MONDO:0014612, OMIM 616371.

Allele frequency attached by ClinVar (database versions not stated): TOPMed 0.00001; gnomAD exomes 0.00002.
gnomAD v4.1: 21 of 1,567,242 alleles (0.0013%); highest among the groups gnomAD compares: Non-Finnish European, 0.0017%; no homozygotes.

Submission:

Labcorp Genetics (formerly Invitae), Labcorp
Classification: Uncertain significance for Dyskeratosis congenita, autosomal recessive 6; Pulmonary fibrosis and/or bone marrow failure, Telomere-related, 4. Last evaluated: 2024-11-19. Review status: criteria provided, single submitter. Criteria: Invitae Variant Classification Sherloc (09022015). Collection method: clinical testing. Allele origin: germline.
Comment: This sequence change replaces glutamic acid, which is acidic and polar, with lysine, which is basic and polar, at codon 233 of the PARN protein (p.Glu233Lys). The frequency data for this variant in the population databases is considered unreliable, as metrics indicate poor data quality at this position in the gnomAD database. This variant has not been reported in the literature in individuals affected with PARN-related conditions. ClinVar contains an entry for this variant (Variation ID: 2953114). Invitae Evidence Modeling of protein sequence and biophysical properties (such as structural, functional, and spatial information, amino acid conservation, physicochemical variation, residue mobility, and thermodynamic stability) indicates that this missense variant is not expected to disrupt PARN protein function with a negative predictive value of 80%. In summary, the available evidence is currently insufficient to determine the role of this variant in disease. Therefore, it has been classified as a Variant of Uncertain Significance.

NM_002582.4(PARN):c.697G>A (p.Glu233Lys)

Gene: PARN (poly(A)-specific ribonuclease; minus strand). Cytogenetic location: 16p13.12.
Variant type: single nucleotide variant.
Coding change: c.697G>A on transcript NM_002582.4 (MANE Select); coding-DNA position 697, G replaced by A.
Protein change: p.Glu233Lys; replaces glutamic acid 233 with lysine.
Molecular consequence: missense variant.
Genome position (GRCh38, 1-based): chr16:14,606,489, C>T on the plus strand (G>A on the coding strand, the complement: PARN is on the minus strand). VCF-style: chr16-14606489-C-T. GRCh37 (hg19) VCF-style: chr16-14700346-C-T.
Other names: c.514G>A, p.Glu172Lys (NM_001134477.3); c.559G>A, p.Glu187Lys (NM_001242992.2); short protein forms E172K, E233K, E187K.
Identifiers: ClinVar variation 2953114 (VCV002953114.3), dbSNP rs1312257752, ClinGen allele CA394808277.